The following is an entry in ClinVar:

NM_001256545.2(MEGF10):c.726T>G (p.Asn242Lys)

Gene: MEGF10 (multiple EGF like domains 10; plus strand). Cytogenetic location: 5q23.2.
Variant type: single nucleotide variant.
Coding change: c.726T>G on transcript NM_001256545.2 (MANE Select); coding-DNA position 726, T replaced by G.
Protein change: p.Asn242Lys; replaces asparagine 242 with lysine.
Molecular consequence: missense variant.
Genome position (GRCh38, 1-based): chr5:127,398,742, T>G. VCF-style: chr5-127398742-T-G. GRCh37 (hg19) VCF-style: chr5-126734434-T-G.
Other names: c.726T>G, p.Asn242Lys (NM_001308119.2, NM_001308121.2, NM_032446.3); short protein forms N242K.
Identifiers: ClinVar variation 856122 (VCV000856122.10), dbSNP rs752309579, ClinGen allele CA3391386.

ClinVar aggregate classification (germline): Uncertain significance (1 of 4 stars; one submission).

Conditions:
MEGF10-related myopathy (CMYO10A). Also called: Congenital myopathy 10A, severe variant. Identifiers: Orphanet 439212, MedGen C3280679, MONDO:0013731, OMIM 614399.

Allele frequency attached by ClinVar (database versions not stated): gnomAD exomes below 0.00001 and 0.00001; TOPMed below 0.00001; ExAC 0.00001; gnomAD 0.00001.
gnomAD v4.1: 4 of 1,613,892 alleles (0.00025%); highest among the groups gnomAD compares: Admixed American, 0.005%; no homozygotes.

Submission:

Labcorp Genetics (formerly Invitae), Labcorp
Classification: Uncertain significance for MEGF10-related myopathy. Last evaluated: 2024-09-05. Review status: criteria provided, single submitter. Criteria: Invitae Variant Classification Sherloc (09022015). Collection method: clinical testing. Allele origin: germline.
Comment: This sequence change replaces asparagine, which is neutral and polar, with lysine, which is basic and polar, at codon 242 of the MEGF10 protein (p.Asn242Lys). This variant is present in population databases (rs752309579, gnomAD 0.006%). This variant has not been reported in the literature in individuals affected with MEGF10-related conditions. ClinVar contains an entry for this variant (Variation ID: 856122). Invitae Evidence Modeling of protein sequence and biophysical properties (such as structural, functional, and spatial information, amino acid conservation, physicochemical variation, residue mobility, and thermodynamic stability) indicates that this missense variant is expected to disrupt MEGF10 protein function with a positive predictive value of 80%. In summary, the available evidence is currently insufficient to determine the role of this variant in disease. Therefore, it has been classified as a Variant of Uncertain Significance.